The following is an entry in ClinVar:

NM_001378609.3(OTOGL):c.1567C>T (p.Gln523Ter)

Gene: OTOGL (otogelin like; plus strand). Cytogenetic location: 12q21.31.
Variant type: single nucleotide variant.
Coding change: c.1567C>T on transcript NM_001378609.3 (MANE Select); coding-DNA position 1567, C replaced by T.
Protein change: p.Gln523Ter; replaces glutamine 523 with a stop codon.
Molecular consequence: nonsense.
Genome position (GRCh38, 1-based): chr12:80,255,165, C>T. VCF-style: chr12-80255165-C-T. GRCh37 (hg19) VCF-style: chr12-80648945-C-T.
Other names: c.1567C>T, p.Gln523Ter (NM_001368062.3, NM_001378610.3, NM_173591.7); c.1540C>T (NM_173591.3); short protein forms Q523*.
Identifiers: ClinVar variation 3075884 (VCV003075884.2), dbSNP rs1325710910, ClinGen allele CA385853489.

ClinVar aggregate classification (germline): Likely pathogenic. Review status: criteria provided, multiple submitters, no conflicts (2 of 4 stars). 2 submissions from 2 submitters: Likely pathogenic (2). Last evaluated 2026-08-27.

Conditions:
Rare genetic deafness. Identifiers: Orphanet 96210, MedGen C5680250.
OTOGL-related disorder. Also called: OTOGL-related condition.

Allele frequency attached by ClinVar (database versions not stated): TOPMed below 0.00001; gnomAD 0.00001.
gnomAD v4.1: 159 of 1,516,206 alleles (0.01%); highest among the groups gnomAD compares: Non-Finnish European, 0.014%; no homozygotes.

Submissions (2):

PreventionGenetics, part of Exact Sciences
Classification: Likely pathogenic for OTOGL-related condition. Last evaluated: 2026-08-27. Review status: criteria provided, single submitter. Criteria: ACMG Guidelines, 2015. Collection method: clinical testing. Allele origin: germline.
Comment: The OTOGL c.1540C>T variant is predicted to result in premature protein termination (p.Gln514*). To our knowledge, this variant has not been reported in the literature. This variant is reported in 0.0033% of alleles in individuals of European (Non-Finnish) descent in gnomAD. Nonsense variants in OTOGL are expected to be pathogenic. This variant is interpreted as likely pathogenic.

Laboratory for Molecular Medicine, Mass General Brigham Personalized Medicine
Classification: Likely pathogenic for Rare genetic deafness. Last evaluated: 2022-08-26. Review status: criteria provided, single submitter. Criteria: ACMG Guidelines, 2015. Collection method: clinical testing. Allele origin: germline.
Comment: The p.Gln514X variant in OTOGL has not been reported in individuals with nonsyndromic hearing loss and has been identified in 1/67924 European chromosomes by gnomAD . This nonsense variant leads to a premature termination codon at position 514, which is predicted to lead to a truncated or absent protein. Loss of function of the OTOGL gene is an established disease mechanism in autosomal recessive nonsyndromic hearing loss. In summary, although additional studies are required to fully establish its clinical significance, this variant meets criteria to be classified as likely pathogenic for autosomal recessive nonsyndromic hearing loss. ACMG/AMP Criteria applied: PVS1, PM2_Supporting.